The following is an entry in ClinVar:

ClinVar aggregate classification (germline): Uncertain significance (1 of 4 stars; one submission).

Conditions:
Dyskeratosis congenita, autosomal recessive 1. Identifiers: Orphanet 1775, MedGen C1857144, MONDO:0009136, OMIM 224230.

Allele frequency attached by ClinVar (database versions not stated): TOPMed below 0.00001; gnomAD 0.00001; gnomAD exomes 0.00001.
gnomAD v4.1: 6 of 1,613,908 alleles (0.00037%); highest among the groups gnomAD compares: African/African-American, 0.0013%; no homozygotes.

Submission:

Labcorp Genetics (formerly Invitae), Labcorp
Classification: Uncertain significance for Dyskeratosis congenita, autosomal recessive 1. Last evaluated: 2022-05-15. Review status: criteria provided, single submitter. Criteria: Invitae Variant Classification Sherloc (09022015). Collection method: clinical testing. Allele origin: germline.
Comment: This sequence change replaces arginine, which is basic and polar, with cysteine, which is neutral and slightly polar, at codon 61 of the NOP10 protein (p.Arg61Cys). This variant is present in population databases (no rsID available, gnomAD 0.007%). This variant has not been reported in the literature in individuals affected with NOP10-related conditions. Algorithms developed to predict the effect of missense changes on protein structure and function are either unavailable or do not agree on the potential impact of this missense change (SIFT: "Deleterious"; PolyPhen-2: "Benign"; Align-GVGD: "Class C0"). In summary, the available evidence is currently insufficient to determine the role of this variant in disease. Therefore, it has been classified as a Variant of Uncertain Significance.

NM_018648.4(NOP10):c.181C>T (p.Arg61Cys)

Gene: NOP10 (NOP10 ribonucleoprotein; minus strand). Cytogenetic location: 15q14.
Variant type: single nucleotide variant.
Coding change: c.181C>T on transcript NM_018648.4 (MANE Select); coding-DNA position 181, C replaced by T.
Protein change: p.Arg61Cys; replaces arginine 61 with cysteine.
Molecular consequence: missense variant.
Genome position (GRCh38, 1-based): chr15:34,341,982, G>A on the plus strand (C>T on the coding strand, the complement: NOP10 is on the minus strand). VCF-style: chr15-34341982-G-A. GRCh37 (hg19) VCF-style: chr15-34634183-G-A.
Other names: short protein forms R61C.
Identifiers: ClinVar variation 1947972 (VCV001947972.5), dbSNP rs1287418136, ClinGen allele CA391621938.